The following is an entry in ClinVar:

NM_001267550.2(TTN):c.34641T>C (p.Ile11547=)

Gene: TTN (titin; minus strand). Cytogenetic location: 2q31.2.
Variant type: single nucleotide variant.
Coding change: c.34641T>C on transcript NM_001267550.2 (MANE Select); coding-DNA position 34641, T replaced by C.
Protein change: p.Ile11547=; no amino-acid change (isoleucine 11547 retained).
Molecular consequence: synonymous variant. On other transcripts: intron variant (3).
Genome position (GRCh38, 1-based): chr2:178,674,381, A>G on the plus strand (T>C on the coding strand, the complement: TTN is on the minus strand). VCF-style: chr2-178674381-A-G. GRCh37 (hg19) VCF-style: chr2-179539108-A-G.
Other names: c.33519T>C, p.Ile11173= (NM_001256850.1); c.30738T>C, p.Ile10246= (NM_133378.4); c.13283-32064T>C (NM_003319.4); c.13859-32064T>C (NM_133437.4); c.13658-32064T>C (NM_133432.3).
Identifiers: ClinVar variation 668306 (VCV000668306.6), dbSNP rs1577246475, ClinGen allele CA430124578.
Genomic context (GRCh38, chr2:178,674,381, plus strand): 5'-TGGTGCCACCTCTTCAACTTCCTCTATGCTAGGTGGTTCTTCTGGGATTTCTTCTTCTGA[A>G]ATAGGCTCTTCTTCAGGCTCCTCAGTCACTTTAAAAAGATTATTATTTTGTAAATTATTT-3'
Protein context (NP_001254479.2, residues 11537-11557): EVTEEPEEEP[Ile11547=]SEEEIPEEPP

ClinVar aggregate classification (germline): Likely benign. Review status: criteria provided, multiple submitters, no conflicts (2 of 4 stars). 2 submissions from 2 submitters: Likely benign (2). Last evaluated 2025-11-07.

Conditions:
Dilated cardiomyopathy 1G (CMD1G). Identifiers: Orphanet 154, MedGen C1858763, MONDO:0011400, OMIM 604145.
Autosomal recessive limb-girdle muscular dystrophy type 2J (LGMDR10). Also called: MUSCULAR DYSTROPHY, LIMB-GIRDLE, AUTOSOMAL RECESSIVE 10; Limb-girdle muscular dystrophy, type 2J. Identifiers: Orphanet 140922, MedGen C1837342, MONDO:0012127, OMIM 608807.

Allele frequency attached by ClinVar (database versions not stated): TOPMed 0.00001.

Submissions (2):

Labcorp Genetics (formerly Invitae), Labcorp
Classification: Likely benign for Dilated cardiomyopathy 1G; Autosomal recessive limb-girdle muscular dystrophy type 2J. Last evaluated: 2025-11-07. Review status: criteria provided, single submitter. Criteria: Invitae Variant Classification Sherloc (09022015). Collection method: clinical testing. Allele origin: germline.

GeneDx
Classification: Likely benign. Last evaluated: 2018-05-07. Review status: criteria provided, single submitter. Criteria: GeneDx Variant Classification (06012015). Collection method: clinical testing. Allele origin: germline. Affected: yes.
Comment: This variant is considered likely benign or benign based on one or more of the following criteria: it is a conservative change, it occurs at a poorly conserved position in the protein, it is predicted to be benign by multiple in silico algorithms, and/or has population frequency not consistent with disease.